The following is an entry in ClinVar:

NM_000313.4(PROS1):c.338G>T (p.Cys113Phe)

Gene: PROS1 (protein S; minus strand). Cytogenetic location: 3q11.1.
Variant type: single nucleotide variant.
Coding change: c.338G>T on transcript NM_000313.4 (MANE Select); coding-DNA position 338, G replaced by T.
Protein change: p.Cys113Phe; replaces cysteine 113 with phenylalanine.
Molecular consequence: missense variant.
Genome position (GRCh38, 1-based): chr3:93,910,627, C>A on the plus strand (G>T on the coding strand, the complement: PROS1 is on the minus strand). VCF-style: chr3-93910627-C-A. GRCh37 (hg19) VCF-style: chr3-93629471-C-A.
Other names: p.Cys113Phe; c.434G>T, p.Cys145Phe (NM_001314077.2); short protein forms C113F, C145F.
Identifiers: ClinVar variation 3379479 (VCV003379479.3).
Genomic context (GRCh38, chr3:93,910,627, plus strand): 5'-TTACCTACAGAGTTTTTGTTTTGTTTTTTCAATTGATGGTAGAAGTGCTTACCATTGACA[C>A]AGCTTCTTAGGTCAGGATAAGCATTAGTTGACTGACGTGCAGCAGTGAATAACCCAGTTT-3'
Protein context (NP_000304.2, residues 103-123): STNAYPDLRS[Cys113Phe]VNAIPDQCSP

ClinVar aggregate classification (germline): Uncertain significance. Review status: criteria provided, multiple submitters, no conflicts (2 of 4 stars). 2 submissions from 2 submitters: Uncertain significance (2). Last evaluated 2025-11-12.

Conditions:
Thrombophilia due to protein S deficiency, autosomal recessive (THPH6). Identifiers: Orphanet 743, MedGen C3281092, MONDO:0013791, OMIM 614514. Disease mechanism: loss of function.

gnomAD v4.1: 4 of 1,612,208 alleles (0.00025%); highest among the groups gnomAD compares: Non-Finnish European, 0.00034%; no homozygotes.

Submissions (2):

Labcorp Genetics (formerly Invitae), Labcorp
Classification: Uncertain significance for Thrombophilia due to protein S deficiency, autosomal recessive. Last evaluated: 2025-11-12. Review status: criteria provided, single submitter. Criteria: Invitae Variant Classification Sherloc (09022015). Collection method: clinical testing. Allele origin: germline.
Comment: This sequence change replaces cysteine, which is neutral and slightly polar, with phenylalanine, which is neutral and non-polar, at codon 113 of the PROS1 protein (p.Cys113Phe). This variant is present in population databases (rs757418321, gnomAD 0.0009%). This missense change has been observed in individual(s) with clinical features of PROS1-related conditions (internal data). ClinVar contains an entry for this variant (Variation ID: 3379479). Invitae Evidence Modeling of protein sequence and biophysical properties (such as structural, functional, and spatial information, amino acid conservation, physicochemical variation, residue mobility, and thermodynamic stability) indicates that this missense variant is expected to disrupt PROS1 protein function with a positive predictive value of 80%. In summary, the available evidence is currently insufficient to determine the role of this variant in disease. Therefore, it has been classified as a Variant of Uncertain Significance.

Mayo Clinic Laboratories, Mayo Clinic
Classification: Uncertain significance. Last evaluated: 2024-11-13. Review status: criteria provided, single submitter. Criteria: ACMG Guidelines, 2015. Collection method: clinical testing. Allele origin: germline. Observed: 3 variant alleles.
Comment: PP3, PM1_supporting, PM2_supporting